The following is an entry in ClinVar:

ClinVar aggregate classification (germline): Uncertain significance (1 of 4 stars; one submission).

Conditions:
Hereditary spastic paraplegia 7 (SPG7). Also called: SPASTIC PARAPLEGIA 7, AUTOSOMAL RECESSIVE, WITH OR WITHOUT CEREBELLAR ATAXIA; SPG7-related neurologic disorder; Spastic paraplegia 7; Hereditary spastic paraplegia Paraplegin type; Autosomal recessive spastic paraplegia type 7. Identifiers: Orphanet 99013, MedGen C1846564, MONDO:0011803, OMIM 607259.

Submission:

Labcorp Genetics (formerly Invitae), Labcorp
Classification: Uncertain significance for Hereditary spastic paraplegia 7. Last evaluated: 2025-02-18. Review status: criteria provided, single submitter. Criteria: Invitae Variant Classification Sherloc (09022015). Collection method: clinical testing. Allele origin: germline.
Comment: This sequence change disrupts the translational stop signal of the SPG7 mRNA. It is expected to extend the length of the SPG7 protein by 14 additional amino acid residues. This variant is not present in population databases (gnomAD no frequency). This variant has not been reported in the literature in individuals affected with SPG7-related conditions. Experimental studies and prediction algorithms are not available or were not evaluated, and the functional significance of this variant is currently unknown. In summary, the available evidence is currently insufficient to determine the role of this variant in disease. Therefore, it has been classified as a Variant of Uncertain Significance.

NM_003119.4(SPG7):c.2387A>C (p.Ter796Ser)

Gene: SPG7 (SPG7 matrix AAA peptidase subunit, paraplegin; plus strand). Cytogenetic location: 16q24.3.
Variant type: single nucleotide variant.
Coding change: c.2387A>C on transcript NM_003119.4 (MANE Select); coding-DNA position 2387, A replaced by C.
Protein change: p.Ter796Ser.
Molecular consequence: stop lost. On other transcripts: 3 prime UTR variant (1).
Genome position (GRCh38, 1-based): chr16:89,557,092, A>C. VCF-style: chr16-89557092-A-C. GRCh37 (hg19) VCF-style: chr16-89623500-A-C.
Other names: c.*165A>C (NM_001363850.1).
Identifiers: ClinVar variation 4753797 (VCV004753797.1).
Genomic context (GRCh38, chr16:89,557,092, plus strand): 5'-AGGAGACCGAAGAGACCCAGCAGCCTCCACTTGGAGGCGAAGAGCCGACTTGGCCCAAGT[A>C]GTTGGGAGGTGTTGGCTGCACGTGCGGGTGGTCCGGGAAGTGAGGGCTCACTCAGCCACC-3'